The following is an entry in ClinVar:

NM_004448.4(ERBB2):c.1550G>C (p.Arg517Pro)

Gene: ERBB2 (erb-b2 receptor tyrosine kinase 2; plus strand). Cytogenetic location: 17q12.
Variant type: single nucleotide variant.
Coding change: c.1550G>C on transcript NM_004448.4 (MANE Select); coding-DNA position 1550, G replaced by C.
Protein change: p.Arg517Pro; replaces arginine 517 with proline.
Molecular consequence: missense variant. On other transcripts: non-coding transcript variant (1), intron variant (1).
Genome position (GRCh38, 1-based): chr17:39,716,337, G>C. VCF-style: chr17-39716337-G-C. GRCh37 (hg19) VCF-style: chr17-37872590-G-C.
Other names: c.1460G>C, p.Arg487Pro (NM_001005862.3, NM_001289938.2, NM_001382782.1 and 1 more transcripts); c.1505G>C, p.Arg502Pro (NM_001289936.2); c.1550G>C, p.Arg517Pro (NM_001289937.2, NM_001382785.1, NM_001382790.1 and 11 more transcripts); c.1667G>C, p.Arg556Pro (NM_001382784.1, NM_001382786.1); c.1625G>C, p.Arg542Pro (NM_001382787.1); c.1580G>C, p.Arg527Pro (NM_001382788.1); c.1571G>C, p.Arg524Pro (NM_001382789.1); c.1541G>C, p.Arg514Pro (NM_001382791.1); and 4 more; short protein forms R241P, R431P, R487P, R514P, R524P, R517P, R527P, R457P.
Identifiers: ClinVar variation 1430902 (VCV001430902.6), dbSNP rs759579850, ClinGen allele CA399292411.

ClinVar aggregate classification (germline): Uncertain significance (1 of 4 stars; one submission).

gnomAD v4.1: 7 of 1,605,920 alleles (0.00044%); highest among the groups gnomAD compares: African/African-American, 0.0094%; no homozygotes.

Submission:

Labcorp Genetics (formerly Invitae), Labcorp
Classification: Uncertain significance. Last evaluated: 2022-10-25. Review status: criteria provided, single submitter. Criteria: Invitae Variant Classification Sherloc (09022015). Collection method: clinical testing. Allele origin: germline.
Comment: In summary, the available evidence is currently insufficient to determine the role of this variant in disease. Therefore, it has been classified as a Variant of Uncertain Significance. Algorithms developed to predict the effect of missense changes on protein structure and function (SIFT, PolyPhen-2, Align-GVGD) all suggest that this variant is likely to be tolerated. ClinVar contains an entry for this variant (Variation ID: 1430902). This variant has not been reported in the literature in individuals affected with ERBB2-related conditions. This variant is present in population databases (no rsID available, gnomAD 0.03%). This sequence change replaces arginine, which is basic and polar, with proline, which is neutral and non-polar, at codon 517 of the ERBB2 protein (p.Arg517Pro).